The following is an entry in ClinVar:

ClinVar aggregate classification (germline): Pathogenic/Likely pathogenic. Review status: criteria provided, multiple submitters, no conflicts (2 of 4 stars). 3 submissions from 3 submitters: Pathogenic (1); Likely pathogenic (1). 1 of the submissions does not count toward it. Last evaluated 2025-01-24.

Conditions:
Maple syrup urine disease type 1A (MSUD1A). Also called: MSUD type 1A. Identifiers: MedGen C1855369, MONDO:0023691, OMIM 248600.
Maple syrup urine disease (MSUD). Identifiers: Orphanet 511, MedGen C0024776, MeSH D008375, MONDO:0009563. Disease mechanism: loss of function.

Allele frequency attached by ClinVar (database versions not stated): TOPMed below 0.00001.

Submissions (3):

Women's Health and Genetics/Laboratory Corporation of America, LabCorp
Classification: Likely pathogenic for Maple syrup urine disease. Last evaluated: 2025-01-24. Review status: criteria provided, single submitter. Criteria: LabCorp Variant Classification Summary - May 2015. Collection method: clinical testing. Allele origin: germline.
Comment: Variant summary: BCKDHB c.2T>C (p.Met1Thr) alters the initiation codon and is predicted to result either in absence of the protein or truncation of the encoded protein due to translation initiation at a downstream codon. The next downstream in-frame initiation codon is at codon 71. Three of four in-silico tools predict a damaging effect of the variant on protein function. The variant was absent in 155290 control chromosomes. c.2T>C has been reported in the literature in at-least one compound heterozygous individual affected with Maple Syrup Urine Disease (example: Chen_2023). Other variants affecting the initiation codon, as well as missense variants upstream of codon 71, have been classified as pathogenic in ClinVar. To our knowledge, no experimental evidence demonstrating an impact on protein function has been reported. The following publication has been ascertained in the context of this evaluation (PMID: 37421976). ClinVar contains an entry for this variant (Variation ID: 553562). Based on the evidence outlined above, the variant was classified as likely pathogenic.

Labcorp Genetics (formerly Invitae), Labcorp
Classification: Pathogenic for Maple syrup urine disease. Last evaluated: 2022-08-09. Review status: criteria provided, single submitter. Criteria: Invitae Variant Classification Sherloc (09022015). Collection method: clinical testing. Allele origin: germline.
Comment: This sequence change affects the initiator methionine of the BCKDHB mRNA. The next in-frame methionine is located at codon 71. This variant is not present in population databases (gnomAD no frequency). Disruption of the initiator codon has been observed in individual(s) with maple syrup urine disease (PMID: 26257134, 31980395, 32515140, 33300147; Invitae). ClinVar contains an entry for this variant (Variation ID: 553562). For these reasons, this variant has been classified as Pathogenic.

Counsyl
Classification: Likely pathogenic for Maple syrup urine disease type 1A. Last evaluated: 2017-08-29. Review status: no assertion criteria provided. Collection method: clinical testing. Allele origin: unknown. Not counted in ClinVar's aggregate classification.

Literature cited by the submitters: PubMed 37421976 (cited by Women's Health and Genetics/Laboratory Corporation of America, LabCorp); PubMed 26257134 (cited by Labcorp Genetics (formerly Invitae), Labcorp); PubMed 31980395 (cited by Labcorp Genetics (formerly Invitae), Labcorp); PubMed 32515140 (cited by Labcorp Genetics (formerly Invitae), Labcorp); PubMed 33300147 (cited by Labcorp Genetics (formerly Invitae), Labcorp).

NM_183050.4(BCKDHB):c.2T>C (p.Met1Thr)

Gene: BCKDHB (branched chain keto acid dehydrogenase E1 subunit beta; plus strand). Cytogenetic location: 6q14.1.
Variant type: single nucleotide variant.
Coding change: c.2T>C on transcript NM_183050.4 (MANE Select); coding-DNA position 2, T replaced by C.
Protein change: p.Met1Thr; changes the start codon (methionine 1).
Molecular consequence: missense variant, initiator codon variant. On other transcripts: non-coding transcript variant (1), intron variant (1).
Genome position (GRCh38, 1-based): chr6:80,106,695, T>C. VCF-style: chr6-80106695-T-C. GRCh37 (hg19) VCF-style: chr6-80816412-T-C.
Other names: c.2T>C, p.Met1Thr (NM_000056.5); c.-15+12T>C (NM_001318975.1); short protein forms M1T.
Identifiers: ClinVar variation 553562 (VCV000553562.10), dbSNP rs940391887, ClinGen allele CA142276824.